The following is an entry in ClinVar:

NM_007254.4(PNKP):c.1436T>C (p.Met479Thr)

Gene: PNKP (polynucleotide kinase 3'-phosphatase; minus strand). Cytogenetic location: 19q13.33.
Variant type: single nucleotide variant.
Coding change: c.1436T>C on transcript NM_007254.4 (MANE Select); coding-DNA position 1436, T replaced by C.
Protein change: p.Met479Thr; replaces methionine 479 with threonine.
Molecular consequence: missense variant.
Genome position (GRCh38, 1-based): chr19:49,861,461, A>G on the plus strand (T>C on the coding strand, the complement: PNKP is on the minus strand). VCF-style: chr19-49861461-A-G. GRCh37 (hg19) VCF-style: chr19-50364718-A-G.
Other names: short protein forms M479T.
Identifiers: ClinVar variation 2038447 (VCV002038447.3), dbSNP rs887351816, ClinGen allele CA309539718.
Genomic context (GRCh38, chr19:49,861,461, plus strand): 5'-TCATGTGGCCCAGCCAGTGCCCCTGCCCCCTGCTATCCCCAACAGTACCTGTAGCCATAC[A>G]TGACCATGTCTGACACGGGGATATGAGAGGAGTCCGTCATCTCTCGAAACTGTGGGGAAC-3'
Protein context (NP_009185.2, residues 469-489): SSHIPVSDMV[Met479Thr]YGYRKQFEAP

ClinVar aggregate classification (germline): Uncertain significance (1 of 4 stars; one submission).

Conditions:
Developmental and epileptic encephalopathy, 12 (DEE12). Identifiers: MedGen C3150988, MONDO:0013389, OMIM 613722.

Allele frequency attached by ClinVar (database versions not stated): gnomAD exomes below 0.00001; TOPMed 0.00002.
gnomAD v4.1: 4 of 1,612,776 alleles (0.00025%); highest among the groups gnomAD compares: African/African-American, 0.0013%; no homozygotes.

Submission:

Labcorp Genetics (formerly Invitae), Labcorp
Classification: Uncertain significance for Developmental and epileptic encephalopathy, 12. Last evaluated: 2022-08-05. Review status: criteria provided, single submitter. Criteria: Invitae Variant Classification Sherloc (09022015). Collection method: clinical testing. Allele origin: germline.
Comment: This sequence change replaces methionine, which is neutral and non-polar, with threonine, which is neutral and polar, at codon 479 of the PNKP protein (p.Met479Thr). This variant is not present in population databases (gnomAD no frequency). This variant has not been reported in the literature in individuals affected with PNKP-related conditions. Algorithms developed to predict the effect of missense changes on protein structure and function are either unavailable or do not agree on the potential impact of this missense change (SIFT: "Deleterious"; PolyPhen-2: "Probably Damaging"; Align-GVGD: "Class C0"). In summary, the available evidence is currently insufficient to determine the role of this variant in disease. Therefore, it has been classified as a Variant of Uncertain Significance.